The following is an entry in ClinVar:

NM_000322.5(PRPH2):c.638G>A (p.Cys213Tyr)

Gene: PRPH2 (peripherin 2; minus strand). Cytogenetic location: 6p21.1.
Variant type: single nucleotide variant.
Coding change: c.638G>A on transcript NM_000322.5 (MANE Select); coding-DNA position 638, G replaced by A.
Protein change: p.Cys213Tyr; replaces cysteine 213 with tyrosine.
Molecular consequence: missense variant.
Genome position (GRCh38, 1-based): chr6:42,704,555, C>T on the plus strand (G>A on the coding strand, the complement: PRPH2 is on the minus strand). VCF-style: chr6-42704555-C-T. GRCh37 (hg19) VCF-style: chr6-42672293-C-T.
Other names: short protein forms C213Y.
Identifiers: ClinVar variation 98692 (VCV000098692.17), dbSNP rs61755803, ClinGen allele CA226277.

ClinVar aggregate classification (germline): Pathogenic/Likely pathogenic. Review status: criteria provided, multiple submitters, no conflicts (2 of 4 stars). 8 submissions from 8 submitters: Pathogenic (3); Likely pathogenic (2). 3 of the submissions do not count toward it. Last evaluated 2025-12-19.

Conditions:
PRPH2-related disorder. Also called: PRPH2-related condition; PRPH2-related disorders. Identifiers: MedGen CN239395.
Patterned macular dystrophy 1. Also called: BUTTERFLY DYSTROPHY OF RETINAL PIGMENT EPITHELIUM; MACULAR DYSTROPHY, BUTTERFLY-SHAPED PIGMENTARY. Identifiers: Orphanet 99001, MedGen C4551999, MONDO:0008210, OMIM 169150.
Stargardt disease (FFM). Also called: Stargardt's disease; Fundus flavimaculatus. Identifiers: Orphanet 827, MedGen C0271093, MONDO:0019353.
Retinal disorder. Also called: Retinopathy; Retinal disorders; Retinopathies; Retinal Diseases. Identifiers: MedGen C0035309, MONDO:0005283, HP:0000488.

Allele frequency attached by ClinVar (database versions not stated): TOPMed below 0.00001; gnomAD 0.00001; gnomAD exomes 0.00001.

Submissions (8):

Genetics Laboratory, Great Ormond Street Hospital NHS Foundation Trust, North Thames Genomic Laboratory Hub
Classification: Likely pathogenic for Retinal disorders. Last evaluated: 2025-12-19. Review status: criteria provided, single submitter. Criteria: ACGS Best Practice Guidelines for Variant Classification in Rare Disease 2024 v1.2. Collection method: clinical testing. Allele origin: germline. Affected: yes.
Comment: PS4_moderate, PM2_moderate, PP3_supporting, PS3_moderate

Labcorp Genetics (formerly Invitae), Labcorp
Classification: Pathogenic for PRPH2-related disorder. Last evaluated: 2025-12-16. Review status: criteria provided, single submitter. Criteria: Invitae Variant Classification Sherloc (09022015). Collection method: clinical testing. Allele origin: germline.
Comment: This sequence change replaces cysteine, which is neutral and slightly polar, with tyrosine, which is neutral and polar, at codon 213 of the PRPH2 protein (p.Cys213Tyr). This variant is not present in population databases (gnomAD no frequency). This missense change has been observed in individual(s) with autosomal dominant pattern dystrophy (PMID: 11934323, 28559085). It has also been observed to segregate with disease in related individuals. ClinVar contains an entry for this variant (Variation ID: 98692). Invitae Evidence Modeling of protein sequence and biophysical properties (such as structural, functional, and spatial information, amino acid conservation, physicochemical variation, residue mobility, and thermodynamic stability) indicates that this missense variant is expected to disrupt PRPH2 protein function with a positive predictive value of 95%. For these reasons, this variant has been classified as Pathogenic.

PreventionGenetics, part of Exact Sciences
Classification: Pathogenic for PRPH2-related condition. Last evaluated: 2025-07-24. Review status: criteria provided, single submitter. Criteria: ACMG Guidelines, 2015. Collection method: clinical testing. Allele origin: germline.
Comment: The PRPH2 c.638G>A variant is predicted to result in the amino acid substitution p.Cys213Tyr. This variant has been reported as segregating with disease in a large kindred with pattern dystrophy (Zhang et al. 2002. PubMed ID: 11934323). This variant has also been reported in the heterozygous state in multiple unrelated individuals with retinal disease (Table S1, Stone et al. 2017. PubMed ID: 28559085; Table S3, Reeves et al. 2020. PubMed ID: 32531846; Table S1, Lin et al. 2024. PubMed ID: 38219857). This variant is absent in a large population database (gnomAD), indicating this variant is rare. This variant is interpreted as pathogenic.

Blueprint Genetics
Classification: Pathogenic for PRPH2-related disorders. Last evaluated: 2024-05-16. Review status: criteria provided, single submitter. Criteria: ACMG Guidelines, 2015. Collection method: clinical testing. Allele origin: germline. Affected: yes. Observed: 5 variant alleles.

NEI Ophthalmic Genomics Laboratory, National Institutes of Health
Classification: Likely pathogenic for Stargardt disease. Last evaluated: 2020-01-07. Review status: criteria provided, single submitter. Criteria: ACMG Guidelines, 2015. Collection method: clinical testing. Allele origin: germline. Affected: yes.
Comment: The variant NM_000322.4:c.638G>A in the PRPH2 gene has been previously studied(PMIDs 1193423, 28559085 ). This variant is listed in dbSNP and/or HGMD (rs61755803,CM025888). It is absent in gnomAD browser. It is not enriched in the PRPH2 disease cohort. We invoked ACMG criteria [PM1, PM2, PM5, PP3] and classified NM_000322.4:c.638G>A in the PRPH2 gene as a Likely Pathogenic mutation.

Leiden Open Variation Database
Classification: Pathogenic. Last evaluated: 2021-04-06. Review status: no assertion criteria provided. Collection method: curation. Allele origin: germline. Affected: yes. Not counted in ClinVar's aggregate classification.
Comment: Curator: Global Variome, with Curator vacancy. Submitters to LOVD: LOVD, Manon Peeters.

Genomics England Pilot Project, Genomics England
Classification: Likely pathogenic for Patterned macular dystrophy 1. Review status: no assertion criteria provided. Criteria: ACGS Guidelines, 2016. Collection method: clinical testing. Allele origin: germline. Affected: yes. Not counted in ClinVar's aggregate classification.

Retina International
No classification provided. Review status: no classification provided. Collection method: not provided. Allele origin: not provided. Not counted in ClinVar's aggregate classification.

Literature cited by the submitters: PubMed 11934323 (cited by Labcorp Genetics (formerly Invitae), Labcorp and Leiden Open Variation Database); PubMed 28559085 (cited by Labcorp Genetics (formerly Invitae), Labcorp and Leiden Open Variation Database); PubMed 21071739 (cited by Leiden Open Variation Database); PubMed 32531846 (cited by Leiden Open Variation Database).